The following is an entry in ClinVar:

NM_001830.4(CLCN4):c.1068G>A (p.Trp356Ter)

Gene: CLCN4 (chloride voltage-gated channel 4; plus strand). Cytogenetic location: Xp22.2.
Variant type: single nucleotide variant.
Coding change: c.1068G>A on transcript NM_001830.4 (MANE Select); coding-DNA position 1068, G replaced by A.
Protein change: p.Trp356Ter; replaces tryptophan 356 with a stop codon.
Molecular consequence: nonsense.
Genome position (GRCh38, 1-based): chrX:10,208,269, G>A. VCF-style: chrX-10208269-G-A. GRCh37 (hg19) VCF-style: chrX-10176309-G-A.
Other names: c.786G>A, p.Trp262Ter (NM_001256944.2); short protein forms W262*, W356*.
Identifiers: ClinVar variation 2760815 (VCV002760815.3), dbSNP rs2518885418, ClinGen allele CA412037780.

ClinVar aggregate classification (germline): Pathogenic (1 of 4 stars; one submission).

Submission:

Labcorp Genetics (formerly Invitae), Labcorp
Classification: Pathogenic. Last evaluated: 2023-12-09. Review status: criteria provided, single submitter. Criteria: Invitae Variant Classification Sherloc (09022015). Collection method: clinical testing. Allele origin: germline.
Comment: This sequence change creates a premature translational stop signal (p.Trp356*) in the CLCN4 gene. It is expected to result in an absent or disrupted protein product. Loss-of-function variants in CLCN4 are known to be pathogenic (PMID: 27550844). This variant is not present in population databases (gnomAD no frequency). This variant has not been reported in the literature in individuals affected with CLCN4-related conditions. For these reasons, this variant has been classified as Pathogenic.

Literature cited by the submitters: PubMed 27550844.